The following is an entry in ClinVar:

ClinVar aggregate classification (germline): Uncertain significance (1 of 4 stars; one submission).

Submission:

Labcorp Genetics (formerly Invitae), Labcorp
Classification: Uncertain significance. Last evaluated: 2023-01-30. Review status: criteria provided, single submitter. Criteria: Invitae Variant Classification Sherloc (09022015). Collection method: clinical testing. Allele origin: germline.
Comment: In summary, the available evidence is currently insufficient to determine the role of this variant in disease. Therefore, it has been classified as a Variant of Uncertain Significance. Experimental studies and prediction algorithms are not available or were not evaluated, and the functional significance of this variant is currently unknown. This variant has not been reported in the literature in individuals affected with ZNF469-related conditions. This variant is not present in population databases (gnomAD no frequency). This sequence change creates a premature translational stop signal (p.Arg3604Serfs*88) in the ZNF469 gene. While this is not anticipated to result in nonsense mediated decay, it is expected to disrupt the last 322 amino acid(s) of the ZNF469 protein.

NM_001367624.2(ZNF469):c.10896del (p.Arg3632fs)

Gene: ZNF469 (zinc finger protein 469; plus strand). Cytogenetic location: 16q24.2.
Variant type: Deletion.
Coding change: c.10896del on transcript NM_001367624.2 (MANE Select); coding-DNA position 10896, one base deleted (G; older notation c.10896delG).
Protein change: p.Arg3632fs; shifts the reading frame from arginine 3632.
Molecular consequence: frameshift variant.
Genome position (GRCh38, 1-based): chr16:88,438,366, G deleted; the last of 2 consecutive G bases (chr16:88,438,365-88,438,366); deleting either gives the same sequence. VCF-style (leftmost placement, unchanged base first): chr16-88438364-AG-A. GRCh37 (hg19) VCF-style: chr16-88504772-AG-A.
Other names: short protein forms R3632fs.
Identifiers: ClinVar variation 2832912 (VCV002832912.3), dbSNP rs2507607828, ClinGen allele CA2739266948.